The following is an entry in ClinVar:

NM_024407.5(NDUFS7):c.270C>T (p.Ala90=)

Gene: NDUFS7 (NADH:ubiquinone oxidoreductase core subunit S7; plus strand). Cytogenetic location: 19p13.3.
Variant type: single nucleotide variant.
Coding change: c.270C>T on transcript NM_024407.5 (MANE Select); coding-DNA position 270, C replaced by T.
Protein change: p.Ala90=; no amino-acid change (alanine 90 retained).
Molecular consequence: synonymous variant.
Genome position (GRCh38, 1-based): chr19:1,390,912, C>T. VCF-style: chr19-1390912-C-T. GRCh37 (hg19) VCF-style: chr19-1390911-C-T.
Other names: p.Ala90=; c.270C>T, p.Ala90= (NM_001363602.2).
Identifiers: ClinVar variation 328337 (VCV000328337.22), dbSNP rs375120743, ClinGen allele CA9043328.

ClinVar aggregate classification (germline): Conflicting classifications of pathogenicity. Review status: criteria provided, conflicting classifications (1 of 4 stars). 6 submissions from 5 submitters: Uncertain significance (2); Likely benign (4). Last evaluated 2025-12-02.

Conditions:
Mitochondrial complex I deficiency, nuclear type 1. Also called: NADH-COENZYME Q REDUCTASE DEFICIENCY; MITOCHONDRIAL NADH DEHYDROGENASE COMPONENT OF COMPLEX I, DEFICIENCY OF. Identifiers: MedGen C6022305, MONDO:0100224, OMIM 252010.
Leigh syndrome (NULS). Also called: Leigh Syndrome (mtDNA deletion); LEIGH SYNDROME, NUCLEAR; Leigh's necrotizing encephalopathy; Leigh's disease; Leigh's syndrome; Leigh Disease. Identifiers: Orphanet 506, MedGen C2931891, MONDO:0009723, OMIM 256000.

Allele frequency attached by ClinVar (database versions not stated): gnomAD exomes 0.00014 and 0.00026; gnomAD 0.00015 and 0.00016; TOPMed 0.00017; ExAC 0.00019; ESP Exome Variant Server 0.00023.
gnomAD v4.1: 406 of 1,611,000 alleles (0.025%); highest among the groups gnomAD compares: Non-Finnish European, 0.032%; no homozygotes.

Submissions (6):

Labcorp Genetics (formerly Invitae), Labcorp
Classification: Likely benign. Last evaluated: 2025-12-02. Review status: criteria provided, single submitter. Criteria: Invitae Variant Classification Sherloc (09022015). Collection method: clinical testing. Allele origin: germline.

Mayo Clinic Laboratories, Mayo Clinic
Classification: Likely benign. Last evaluated: 2025-05-06. Review status: criteria provided, single submitter. Criteria: ACMG Guidelines, 2015. Collection method: clinical testing. Allele origin: germline. Observed: 1 variant allele.
Comment: BP4, BP7

CeGaT Center for Human Genetics Tuebingen
Classification: Likely benign. Last evaluated: 2025-04-01. Review status: criteria provided, single submitter. Criteria: CeGaT Center For Human Genetics Tuebingen Variant Classification Criteria Version 2. Collection method: clinical testing. Allele origin: germline. Affected: yes. Observed: 1 variant allele.
Comment: NDUFS7: BP4, BP7

Blueprint Genetics
Classification: Likely benign. Last evaluated: 2024-06-26. Review status: criteria provided, single submitter. Criteria: ACMG Guidelines, 2015. Collection method: clinical testing. Allele origin: germline.

Illumina Laboratory Services, Illumina
Classification: Uncertain significance for Leigh syndrome. Last evaluated: 2018-01-12. Review status: criteria provided, single submitter. Criteria: ICSL Variant Classification Criteria 13 December 2019. Collection method: clinical testing. Allele origin: germline.

Illumina Laboratory Services, Illumina
Classification: Uncertain significance for Mitochondrial complex I deficiency, nuclear type 1. Last evaluated: 2018-01-12. Review status: criteria provided, single submitter. Criteria: ICSL Variant Classification Criteria 13 December 2019. Collection method: clinical testing. Allele origin: germline.